The following is an entry in ClinVar:

NM_000051.4(ATM):c.7919C>G (p.Thr2640Ser)

Genes: ATM (ATM serine/threonine kinase; plus strand), C11orf65 (chromosome 11 open reading frame 65; minus strand). Cytogenetic location: 11q22.3.
Variant type: single nucleotide variant.
Coding change: c.7919C>G on transcript NM_000051.4 (MANE Select); coding-DNA position 7919, C replaced by G.
Protein change: p.Thr2640Ser; replaces threonine 2640 with serine.
Molecular consequence: missense variant. On other transcripts: intron variant (2).
Genome position (GRCh38, 1-based): chr11:108,332,892, C>G. VCF-style: chr11-108332892-C-G. GRCh37 (hg19) VCF-style: chr11-108203619-C-G.
Other names: NM_000051.3(ATM):c.7919C>G; p.Thr2640Ser; c.7919C>G, p.Thr2640Ser (NM_001351834.2); c.641-23821G>C (NM_001330368.2); c.*38+2328G>C (NM_001351110.2); short protein forms T2640S.
Identifiers: ClinVar variation 231842 (VCV000231842.10), dbSNP rs4988125, ClinGen allele CA10579274.

ClinVar aggregate classification (germline): Uncertain significance. Review status: reviewed by expert panel (3 of 4 stars). 2 submissions from 2 submitters: Uncertain significance (1). 1 of the submissions does not count toward it. Last evaluated 2022-03-09.

Conditions:
Hereditary cancer-predisposing syndrome. Also called: Neoplastic Syndromes, Hereditary; Hereditary neoplastic syndrome; Tumor predisposition; Hereditary Cancer Syndrome. Identifiers: Orphanet 140162, MedGen C0027672, MeSH D009386, MONDO:0015356.
ATM-related cancer predisposition. Also called: ATM-related cancer susceptibility. Identifiers: MedGen CN377759, MONDO:0700270.

Submissions (2):

ClinGen Hereditary Breast, Ovarian and Pancreatic Cancer Variant Curation Expert Panel, ClinGen
Classification: Uncertain significance for ATM-related cancer predisposition. Last evaluated: 2022-03-09. Review status: reviewed by expert panel. Criteria: clingen hbop acmg specifications atm v1-1. Collection method: curation. Allele origin: germline. Inheritance: Autosomal dominant inheritance.
Comment: The ATM c.7919C>G (p.Thr2640Ser) variant is absent in GnomAD v2.1.1 (PM2_Supporting). In silico predictors for this alteration (Align GVGD: C55; REVEL: 0.117) are indeterminate. In summary, this variant meets criteria to be classified as uncertain significance based on the ACMG/AMP criteria applied as specified by the HBOP Variant Curation Expert Panel.

Ambry Genetics
Classification: Likely benign for Hereditary cancer-predisposing syndrome. Last evaluated: 2015-05-21. Review status: criteria provided, single submitter. Criteria: Ambry Variant Classification Scheme 2023. Collection method: clinical testing. Allele origin: germline. Not counted in ClinVar's aggregate classification.